The following is an entry in ClinVar:

ClinVar aggregate classification (germline): Uncertain significance (1 of 4 stars; one submission).

Conditions:
Neuropathy, hereditary sensory and autonomic, type 2A (HSAN2A). Also called: ACROOSTEOLYSIS, GIACCAI TYPE; ACROOSTEOLYSIS, NEUROGENIC; MORVAN DISEASE; NEUROPATHY, CONGENITAL SENSORY; NEUROPATHY, HEREDITARY SENSORY RADICULAR, AUTOSOMAL RECESSIVE; NEUROPATHY, HEREDITARY SENSORY, TYPE IIA. Identifiers: Orphanet 970, MedGen C2752089, MONDO:0024309, OMIM 201300.
Generalized epilepsy with febrile seizures plus, type 7 (GEFSP7). Also called: GEFS+, TYPE 7. Identifiers: Orphanet 36387, MedGen C2751778, MONDO:0013470, OMIM 613863.

Allele frequency attached by ClinVar (database versions not stated): TOPMed below 0.00001; gnomAD 0.00001.
gnomAD v4.1: 14 of 1,612,088 alleles (0.00087%); highest among the groups gnomAD compares: Non-Finnish European, 0.0012%; no homozygotes.

Submission:

Labcorp Genetics (formerly Invitae), Labcorp
Classification: Uncertain significance for Neuropathy, hereditary sensory and autonomic, type 2A; Generalized epilepsy with febrile seizures plus, type 7. Last evaluated: 2025-07-19. Review status: criteria provided, single submitter. Criteria: Invitae Variant Classification Sherloc (09022015). Collection method: clinical testing. Allele origin: germline.
Comment: This sequence change replaces leucine, which is neutral and non-polar, with isoleucine, which is neutral and non-polar, at codon 1386 of the SCN9A protein (p.Leu1386Ile). This variant is present in population databases (rs199800370, gnomAD 0.007%). This variant has not been reported in the literature in individuals affected with SCN9A-related conditions. ClinVar contains an entry for this variant (Variation ID: 538465). Invitae Evidence Modeling of protein sequence and biophysical properties (such as structural, functional, and spatial information, amino acid conservation, physicochemical variation, residue mobility, and thermodynamic stability) indicates that this missense variant is not expected to disrupt SCN9A protein function with a negative predictive value of 80%. In summary, the available evidence is currently insufficient to determine the role of this variant in disease. Therefore, it has been classified as a Variant of Uncertain Significance.

NM_001365536.1(SCN9A):c.4189C>A (p.Leu1397Ile)

Genes: SCN1A-AS1 (SCN1A and SCN9A antisense RNA 1; plus strand), SCN9A (sodium voltage-gated channel alpha subunit 9; minus strand). Cytogenetic location: 2q24.3.
Variant type: single nucleotide variant.
Coding change: c.4189C>A on transcript NM_001365536.1 (MANE Select); coding-DNA position 4189, C replaced by A.
Protein change: p.Leu1397Ile; replaces leucine 1397 with isoleucine.
Molecular consequence: missense variant.
Genome position (GRCh38, 1-based): chr2:166,228,708, G>T on the plus strand (C>A on the coding strand, the complement: SCN9A is on the minus strand). VCF-style: chr2-166228708-G-T. GRCh37 (hg19) VCF-style: chr2-167085218-G-T.
Other names: c.4156C>A, p.Leu1386Ile (NM_002977.4); short protein forms L1386I, L1397I.
Identifiers: ClinVar variation 538465 (VCV000538465.9), dbSNP rs199800370, ClinGen allele CA59810203.
Genomic context (GRCh38, chr2:166,228,708, plus strand): 5'-ATATCTATTAAAATACCAAGCACTCATGAAATGGGACACTTACAACTTGAAGCAGAGATA[G>T]GTAACCAAGTCCGACATTATCAAAGTTCACTTTCAGGTTTTTCCATCGCACATTTTGACT-3'
Protein context (NP_001352465.1, residues 1387-1407): VNFDNVGLGY[Leu1397Ile]SLLQVATFKG